The following is an entry in ClinVar:

ClinVar aggregate classification (germline): Conflicting classifications of pathogenicity. Review status: criteria provided, conflicting classifications (1 of 4 stars). 6 submissions from 6 submitters: Uncertain significance (5); Likely benign (1). Last evaluated 2026-08-31.

Conditions:
Autosomal recessive limb-girdle muscular dystrophy type 2J (LGMDR10). Also called: Limb-girdle muscular dystrophy, type 2J; MUSCULAR DYSTROPHY, LIMB-GIRDLE, AUTOSOMAL RECESSIVE 10. Identifiers: Orphanet 140922, MedGen C1837342, MONDO:0012127, OMIM 608807.
Dilated cardiomyopathy 1G (CMD1G). Identifiers: Orphanet 154, MedGen C1858763, MONDO:0011400, OMIM 604145.
TTN-related disorder. Also called: TTN-related condition; TTN-related disease; TTN-related disorders.
Hypertrophic cardiomyopathy 9. Also called: Familial hypertrophic cardiomyopathy 9. Identifiers: MedGen C1861065, MONDO:0013412, OMIM 613765.
Myopathy, myofibrillar, 9, with early respiratory failure (MFM9). Also called: Hereditary myopathy with early respiratory failure; MYOPATHY, PROXIMAL, WITH EARLY RESPIRATORY MUSCLE INVOLVEMENT; EDSTROM MYOPATHY; Myopathy, distal, with early respiratory failure, autosomal dominant. Identifiers: Orphanet 178464, Orphanet 34521, MedGen C1863599, MONDO:0011362, OMIM 603689.
Tibial muscular dystrophy (TMD). Also called: Udd Distal Myopathy – Tibial Muscular Dystrophy; UDD MYOPATHY; Tibial muscular dystrophy, tardive. Identifiers: Orphanet 609, MedGen C1838244, MONDO:0010870, OMIM 600334.
Early-onset myopathy with fatal cardiomyopathy (CMYO5). Also called: Salih Myopathy; CONGENITAL MYOPATHY 5 WITH CARDIOMYOPATHY. Identifiers: Orphanet 289377, MedGen C2673677, MONDO:0012714, OMIM 611705. Disease mechanism: loss of function.

Allele frequency attached by ClinVar (database versions not stated): gnomAD exomes 0.00001; ExAC 0.00002; gnomAD 0.00004 and 0.00006; ESP Exome Variant Server 0.00008; TOPMed 0.00009.
gnomAD v4.1: 15 of 1,594,976 alleles (0.00094%); highest among the groups gnomAD compares: Admixed American, 0.014%; no homozygotes.

Submissions (6):

PreventionGenetics, part of Exact Sciences
Classification: Uncertain significance for TTN-related condition. Last evaluated: 2026-08-31. Review status: criteria provided, single submitter. Criteria: ACMG Guidelines, 2015. Collection method: clinical testing. Allele origin: germline.
Comment: The TTN c.56315C>T variant is predicted to result in the amino acid substitution p.Thr18772Ile. This variant has been reported in an individual with atrial fibrillation (Table S1, Pavel et al. 2026. PubMed ID: 41569083). This variant is reported in 0.0061% of alleles in individuals of Latino descent in gnomAD. At this time, the clinical significance of this variant is uncertain due to the absence of conclusive functional and genetic evidence.

Blueprint Genetics
Classification: Likely benign. Last evaluated: 2024-10-10. Review status: criteria provided, single submitter. Criteria: ACMG Guidelines, 2015. Collection method: clinical testing. Allele origin: germline.

Women's Health and Genetics/Laboratory Corporation of America, LabCorp
Classification: Uncertain significance. Last evaluated: 2024-07-12. Review status: criteria provided, single submitter. Criteria: LabCorp Variant Classification Summary - May 2015. Collection method: clinical testing. Allele origin: germline.
Comment: Variant summary: TTN c.48611C>T (p.Thr16204Ile) results in a non-conservative amino acid change located in the A band region of the encoded protein sequence. Three of four in-silico tools predict a damaging effect of the variant on protein function. The variant allele was found at a frequency of 8.4e-06 in 237586 control chromosomes. The available data on variant occurrences in the general population are insufficient to allow any conclusion about variant significance. To our knowledge, no occurrence of c.48611C>T in individuals affected with Limb-Girdle Muscular Dystrophy, Type 2J and no experimental evidence demonstrating its impact on protein function have been reported. ClinVar contains an entry for this variant (Variation ID: 467286). Based on the evidence outlined above, the variant was classified as uncertain significance.

Fulgent Genetics
Classification: Uncertain significance for Tibial muscular dystrophy; Myopathy, myofibrillar, 9, with early respiratory failure; Dilated cardiomyopathy 1G; Autosomal recessive limb-girdle muscular dystrophy type 2J; Early-onset myopathy with fatal cardiomyopathy; Hypertrophic cardiomyopathy 9. Last evaluated: 2021-10-15. Review status: criteria provided, single submitter. Criteria: ACMG Guidelines, 2015. Collection method: clinical testing. Allele origin: unknown.

Revvity Omics, Revvity
Classification: Uncertain significance. Last evaluated: 2019-06-28. Review status: criteria provided, single submitter. Criteria: ACMG Guidelines, 2015. Collection method: clinical testing. Allele origin: germline.

Labcorp Genetics (formerly Invitae), Labcorp
Classification: Uncertain significance for Dilated cardiomyopathy 1G; Autosomal recessive limb-girdle muscular dystrophy type 2J. Last evaluated: 2017-03-23. Review status: criteria provided, single submitter. Criteria: Invitae Variant Classification Sherloc (09022015). Collection method: clinical testing. Allele origin: germline.

NM_001267550.2(TTN):c.56315C>T (p.Thr18772Ile)

Genes: TTN (titin; minus strand), TTN-AS1 (TTN antisense RNA 1; plus strand). Cytogenetic location: 2q31.2.
Variant type: single nucleotide variant.
Coding change: c.56315C>T on transcript NM_001267550.2 (MANE Select); coding-DNA position 56315, C replaced by T.
Protein change: p.Thr18772Ile; replaces threonine 18772 with isoleucine.
Molecular consequence: missense variant.
Genome position (GRCh38, 1-based): chr2:178,599,586, G>A on the plus strand (C>T on the coding strand, the complement: TTN is on the minus strand). VCF-style: chr2-178599586-G-A. GRCh37 (hg19) VCF-style: chr2-179464313-G-A.
Other names: c.51392C>T, p.Thr17131Ile (NM_001256850.1); c.29120C>T, p.Thr9707Ile (NM_003319.4); c.48611C>T, p.Thr16204Ile (NM_133378.4); c.29495C>T, p.Thr9832Ile (NM_133432.3); c.29696C>T, p.Thr9899Ile (NM_133437.4); short protein forms T18772I, T16204I, T9899I, T17131I, T9707I, T9832I.
Identifiers: ClinVar variation 467286 (VCV000467286.10), dbSNP rs370118111, ClinGen allele CA1993282.
Genomic context (GRCh38, chr2:178,599,586, plus strand): 5'-AATTTTAACCAAACCATGCAGTCTTTACCCAGGACATTCAGTCTCATCTCCTTTGATGCT[G>A]TTCCCAGATTATTTACAGCTGTGATGGTATATAAGCCAGTGTCACTCCTGCGAGACTGCG-3'
Protein context (NP_001254479.2, residues 18762-18782): YTITAVNNLG[Thr18772Ile]ASKEMRLNVL